The following is an entry in ClinVar:

ClinVar aggregate classification (germline): Benign/Likely benign. Review status: criteria provided, multiple submitters, no conflicts (2 of 4 stars). 10 submissions from 10 submitters: Benign (2); Likely benign (4). 4 of the submissions do not count toward it. Last evaluated 2026-09-01.

Conditions:
Inborn genetic diseases. Identifiers: MedGen C0950123, MeSH D030342.
SCN11A-related disorder. Also called: SCN11A-related condition.
Hereditary sensory and autonomic neuropathy type 7. Also called: Neuropathy, hereditary sensory and autonomic, type VII; HSAN VII. Identifiers: Orphanet 391397, MedGen C3809882, MONDO:0014244, OMIM 615548.
Familial episodic pain syndrome with predominantly lower limb involvement. Also called: Episodic pain syndrome, familial, 3. Identifiers: Orphanet 391384, Orphanet 391392, MedGen C3809899, MONDO:0014247, OMIM 615552.

Allele frequency attached by ClinVar (database versions not stated): ESP Exome Variant Server 0.00100; TOPMed 0.00107; gnomAD 0.00143 and 0.00151; ExAC 0.00152; gnomAD exomes 0.00160.
gnomAD v4.1: 2,108 of 1,613,880 alleles (0.13%); highest among the groups gnomAD compares: Non-Finnish European, 0.14%; 4 homozygotes.

Submissions (10):

CeGaT Center for Human Genetics Tuebingen
Classification: Likely benign. Last evaluated: 2026-09-01. Review status: criteria provided, single submitter. Criteria: CeGaT Center For Human Genetics Tuebingen Variant Classification Criteria Version 2. Collection method: clinical testing. Allele origin: germline. Affected: yes. Observed: 12 variant alleles.
Comment: SCN11A: BS1

Labcorp Genetics (formerly Invitae), Labcorp
Classification: Likely benign for Familial episodic pain syndrome with predominantly lower limb involvement; Hereditary sensory and autonomic neuropathy type 7. Last evaluated: 2026-02-03. Review status: criteria provided, single submitter. Criteria: Invitae Variant Classification Sherloc (09022015). Collection method: clinical testing. Allele origin: germline.

Blueprint Genetics
Classification: Likely benign. Last evaluated: 2024-11-21. Review status: criteria provided, single submitter. Criteria: ACMG Guidelines, 2015. Collection method: clinical testing. Allele origin: germline.

Mayo Clinic Laboratories, Mayo Clinic
Classification: Benign. Last evaluated: 2022-05-13. Review status: criteria provided, single submitter. Criteria: ACMG Guidelines, 2015. Collection method: clinical testing. Allele origin: germline. Observed: 8 variant alleles.
Comment: BS1, BS2

Ambry Genetics
Classification: Likely benign for Inborn genetic diseases. Last evaluated: 2019-09-12. Review status: criteria provided, single submitter. Criteria: Ambry Variant Classification Scheme 2023. Collection method: clinical testing. Allele origin: germline.

GeneDx
Classification: Benign. Last evaluated: 2018-11-28. Review status: criteria provided, single submitter. Criteria: GeneDx Variant Classification Process June 2021. Collection method: clinical testing. Allele origin: germline. Affected: yes.
Comment: This variant is associated with the following publications: (PMID: 26423924)

PreventionGenetics, part of Exact Sciences
Classification: Likely benign for SCN11A-related condition. Last evaluated: 2021-04-08. Review status: no assertion criteria provided. Collection method: clinical testing. Allele origin: germline. Not counted in ClinVar's aggregate classification.
Comment: This variant is classified as likely benign based on ACMG/AMP sequence variant interpretation guidelines (Richards et al. 2015 PMID: 25741868, with internal and published modifications).

Clinical Genetics DNA and cytogenetics Diagnostics Lab, Erasmus MC, Erasmus Medical Center
Classification: Likely benign. Review status: no assertion criteria provided. Collection method: clinical testing. Allele origin: germline. Affected: yes. Study: VKGL Data-share Consensus. Not counted in ClinVar's aggregate classification.

Clinical Genetics, Academic Medical Center
Classification: Likely benign. Review status: no assertion criteria provided. Collection method: clinical testing. Allele origin: germline. Affected: yes. Study: VKGL Data-share Consensus. Not counted in ClinVar's aggregate classification.

Joint Genome Diagnostic Labs from Nijmegen and Maastricht, Radboudumc and MUMC+
Classification: Likely benign. Review status: no assertion criteria provided. Collection method: clinical testing. Allele origin: germline. Affected: yes. Study: VKGL Data-share Consensus. Not counted in ClinVar's aggregate classification.

Literature cited by the submitters: PubMed 29264398 (cited by Mayo Clinic Laboratories, Mayo Clinic).

NM_001349253.2(SCN11A):c.5207G>T (p.Gly1736Val)

Gene: SCN11A (sodium voltage-gated channel alpha subunit 11; minus strand). Cytogenetic location: 3p22.2.
Variant type: single nucleotide variant.
Coding change: c.5207G>T on transcript NM_001349253.2 (MANE Select); coding-DNA position 5207, G replaced by T.
Protein change: p.Gly1736Val; replaces glycine 1736 with valine.
Molecular consequence: missense variant.
Genome position (GRCh38, 1-based): chr3:38,846,863, C>A on the plus strand (G>T on the coding strand, the complement: SCN11A is on the minus strand). VCF-style: chr3-38846863-C-A. GRCh37 (hg19) VCF-style: chr3-38888354-C-A.
Other names: p.Gly1736Val; c.5207G>T, p.Gly1736Val (NM_014139.3); short protein forms G1736V.
Identifiers: ClinVar variation 474745 (VCV000474745.54), dbSNP rs143852849, ClinGen allele CA2321375.
Genomic context (GRCh38, chr3:38,846,863, plus strand): 5'-TGGTCACCCTTGGTCACCTTCATCATGTACTTTCGAAAGGCCTTTTGAATAATAGCAGCA[C>A]CTCTTTCCTCTTCCTTTCTCTTGGTGGTGGTGACTATGGGTTCATACAACTTCTTGAGAG-3'
Protein context (NP_001336182.1, residues 1726-1746): TTTKRKEEER[Gly1736Val]AAIIQKAFRK